The following is an entry in ClinVar:

ClinVar aggregate classification (germline): Uncertain significance (1 of 4 stars; one submission).

Allele frequency attached by ClinVar (database versions not stated): gnomAD exomes below 0.00001.
gnomAD v4.1: 1 of 1,566,024 alleles (0.000064%); highest among the groups gnomAD compares: Non-Finnish European, 0.000088%; no homozygotes.

Submission:

Labcorp Genetics (formerly Invitae), Labcorp
Classification: Uncertain significance. Last evaluated: 2022-02-22. Review status: criteria provided, single submitter. Criteria: Invitae Variant Classification Sherloc (09022015). Collection method: clinical testing. Allele origin: germline.
Comment: In summary, the available evidence is currently insufficient to determine the role of this variant in disease. Therefore, it has been classified as a Variant of Uncertain Significance. Algorithms developed to predict the effect of missense changes on protein structure and function are either unavailable or do not agree on the potential impact of this missense change (SIFT: "Deleterious"; PolyPhen-2: "Possibly Damaging"; Align-GVGD: "Class C0"). This variant has not been reported in the literature in individuals affected with PDE6B-related conditions. This variant is not present in population databases (gnomAD no frequency). This sequence change replaces tyrosine, which is neutral and polar, with histidine, which is basic and polar, at codon 314 of the PDE6B protein (p.Tyr314His).

NM_000283.4(PDE6B):c.940T>C (p.Tyr314His)

Genes: PDE6B (phosphodiesterase 6B; plus strand), PDE6B-AS1 (PDE6B antisense RNA 1; minus strand). Cytogenetic location: 4p16.3.
Variant type: single nucleotide variant.
Coding change: c.940T>C on transcript NM_000283.4 (MANE Select); coding-DNA position 940, T replaced by C.
Protein change: p.Tyr314His; replaces tyrosine 314 with histidine.
Molecular consequence: missense variant. On other transcripts: 5 prime UTR variant (1).
Genome position (GRCh38, 1-based): chr4:654,836, T>C. VCF-style: chr4-654836-T-C. GRCh37 (hg19) VCF-style: chr4-648625-T-C.
Other names: c.940T>C, p.Tyr314His (NM_001145291.2); c.103T>C, p.Tyr35His (NM_001145292.2, NM_001350154.3, NM_001379246.1 and 1 more transcripts); c.-101T>C (NM_001350155.3); short protein forms Y314H, Y35H.
Identifiers: ClinVar variation 2101616 (VCV002101616.4), dbSNP rs2474190905, ClinGen allele CA355912090.